The following is an entry in ClinVar:

ClinVar aggregate classification (germline): Benign. Review status: criteria provided, multiple submitters, no conflicts (2 of 4 stars). 2 submissions from 2 submitters: Benign (2). Last evaluated 2018-06-14.

Allele frequency attached by ClinVar (database versions not stated): 1000 Genomes Project 0.27696; 1000 Genomes Project 30x 0.27717; TOPMed 0.29253; gnomAD 0.29529 and 0.29787; gnomAD exomes 0.32406.
gnomAD v4.1: 210,027 of 661,898 alleles (32%); highest among the groups gnomAD compares: South Asian, 40%; 34,848 homozygotes.

Submissions (2):

GeneDx
Classification: Benign. Last evaluated: 2018-06-14. Review status: criteria provided, single submitter. Criteria: GeneDx Variant Classification (06012015). Collection method: clinical testing. Allele origin: germline. Affected: yes.
Comment: This variant is considered likely benign or benign based on one or more of the following criteria: it is a conservative change, it occurs at a poorly conserved position in the protein, it is predicted to be benign by multiple in silico algorithms, and/or has population frequency not consistent with disease.

Breakthrough Genomics
Classification: Benign. Review status: criteria provided, single submitter. Criteria: ACMG Guidelines, 2015. Collection method: not provided. Allele origin: germline. Inheritance: Autosomal recessive inheritance. Affected: yes.

NM_017739.4(POMGNT1):c.1650-212G>A

Genes: POMGNT1 (protein O-linked mannose N-acetylglucosaminyltransferase 1 (beta 1,2-); minus strand), TSPAN1 (tetraspanin 1; plus strand). Cytogenetic location: 1p34.1.
Variant type: single nucleotide variant.
Coding change: c.1650-212G>A on transcript NM_017739.4 (MANE Select); 212 bases into the intron before coding-DNA position 1650, G replaced by A.
Molecular consequence: intron variant.
Genome position (GRCh38, 1-based): chr1:46,190,201, C>T on the plus strand (G>A on the coding strand, the complement: POMGNT1 is on the minus strand). VCF-style: chr1-46190201-C-T. GRCh37 (hg19) VCF-style: chr1-46655873-C-T.
Other names: c.1650-212G>A (NM_001243766.2, NM_001438686.1, NM_001438688.1 and 3 more transcripts); c.1584-212G>A (NM_001290129.3, NM_001438691.1, NM_001438692.1); c.1221-212G>A (NM_001290130.2).
Identifiers: ClinVar variation 667977 (VCV000667977.2), dbSNP rs12116820, ClinGen allele CA10670799.